The following is an entry in ClinVar:

ClinVar aggregate classification (germline): Uncertain significance (1 of 4 stars; one submission).

Conditions:
Acromesomelic dysplasia 1, Maroteaux type (AMD1). Also called: ST. HELENA DYSPLASIA; ACROMESOMELIC DYSPLASIA 1. Identifiers: Orphanet 40, MedGen C1864356, MONDO:0011275, OMIM 602875.
Tall stature-scoliosis-macrodactyly of the great toes syndrome. Also called: Epiphyseal chondrodysplasia, miura type. Identifiers: Orphanet 329191, MedGen C4014690, MONDO:0014401, OMIM 615923.

Submission:

Labcorp Genetics (formerly Invitae), Labcorp
Classification: Uncertain significance for Tall stature-scoliosis-macrodactyly of the great toes syndrome; Acromesomelic dysplasia 1, Maroteaux type. Last evaluated: 2022-09-07. Review status: criteria provided, single submitter. Criteria: Invitae Variant Classification Sherloc (09022015). Collection method: clinical testing. Allele origin: germline.
Comment: Algorithms developed to predict the effect of missense changes on protein structure and function (SIFT, PolyPhen-2, Align-GVGD) all suggest that this variant is likely to be disruptive. In summary, the available evidence is currently insufficient to determine the role of this variant in disease. Therefore, it has been classified as a Variant of Uncertain Significance. ClinVar contains an entry for this variant (Variation ID: 1044291). This variant has not been reported in the literature in individuals affected with NPR2-related conditions. This variant is not present in population databases (gnomAD no frequency). This sequence change replaces tryptophan, which is neutral and slightly polar, with cysteine, which is neutral and slightly polar, at codon 1035 of the NPR2 protein (p.Trp1035Cys).

NM_003995.4(NPR2):c.3105G>T (p.Trp1035Cys)

Genes: NPR2 (natriuretic peptide receptor 2; plus strand), SPAG8 (sperm associated antigen 8; minus strand). Cytogenetic location: 9p13.3.
Variant type: single nucleotide variant.
Coding change: c.3105G>T on transcript NM_003995.4 (MANE Select); coding-DNA position 3105, G replaced by T.
Protein change: p.Trp1035Cys; replaces tryptophan 1035 with cysteine.
Molecular consequence: missense variant. On other transcripts: intron variant (1).
Genome position (GRCh38, 1-based): chr9:35,809,406, G>T. VCF-style: chr9-35809406-G-T. GRCh37 (hg19) VCF-style: chr9-35809403-G-T.
Other names: c.1370C>A, p.Ala457Asp (NM_172312.2); c.3114G>T, p.Trp1038Cys (NM_001378923.1); c.1200+1033C>A (NM_001366760.2); short protein forms A457D, W1035C, W1038C.
Identifiers: ClinVar variation 1044291 (VCV001044291.10), dbSNP rs1828636535, ClinGen allele CA373387264.